The following is an entry in ClinVar:

ClinVar aggregate classification (germline): Uncertain significance (1 of 4 stars; one submission).

Submission:

Dasa
Classification: Uncertain significance. Last evaluated: 2026-04-23. Review status: criteria provided, single submitter. Criteria: DASA Assertion Criteria. Collection method: clinical testing. Allele origin: germline.
Comment: NM_014847.4(UBAP2L):c.2903-9C>T is a splice-region variant. This variant is rare in population databases. Computational prediction algorithms are consistent with a deleterious effect. The currently available literature and clinical evidence are not sufficient to establish a definitive association between this variant and the reported condition. Therefore, this variant is classified as a variant of uncertain significance.

NM_014847.4(UBAP2L):c.2903-9C>T

Gene: UBAP2L (ubiquitin associated protein 2 like; plus strand). Cytogenetic location: 1q21.3.
Variant type: single nucleotide variant.
Coding change: c.2903-9C>T on transcript NM_014847.4 (MANE Select); 9 bases into the intron before coding-DNA position 2903, C replaced by T.
Molecular consequence: intron variant.
Genome position (GRCh38, 1-based): chr1:154,266,492, C>T. VCF-style: chr1-154266492-C-T. GRCh37 (hg19) VCF-style: chr1-154238968-C-T.
Other names: c.2936-9C>T (NM_001330730.1, NM_001287816.1, NM_001375625.1 and 2 more transcripts); c.2903-9C>T (NM_001375623.1, NM_001375627.1, NM_001375624.1 and 10 more transcripts).
Identifiers: ClinVar variation 4881829 (VCV004881829.2).